The following is an entry in ClinVar:

ClinVar aggregate classification (germline): Uncertain significance (1 of 4 stars; one submission).

gnomAD v4.1: 1 of 1,609,932 alleles (0.000062%); highest among the groups gnomAD compares: Non-Finnish European, 0.000085%; no homozygotes.

Submission:

Ambry Genetics
Classification: Uncertain significance. Last evaluated: 2024-12-26. Review status: criteria provided, single submitter. Criteria: Ambry Variant Classification Scheme 2023. Collection method: clinical testing. Allele origin: germline.
Comment: The p.P350A variant (also known as c.1048C>G), located in coding exon 10 of the RAD51B gene, results from a C to G substitution at nucleotide position 1048. The proline at codon 350 is replaced by alanine, an amino acid with highly similar properties. This amino acid position is conserved. In addition, this alteration is predicted to be tolerated by in silico analysis. Based on the available evidence, the clinical significance of this variant remains unclear.

NM_133510.4(RAD51B):c.1048C>G (p.Pro350Ala)

Gene: RAD51B (RAD51 paralog B; plus strand). Cytogenetic location: 14q24.1.
Variant type: single nucleotide variant.
Coding change: c.1048C>G on transcript NM_133510.4 (MANE Select); coding-DNA position 1048, C replaced by G.
Protein change: p.Pro350Ala; replaces proline 350 with alanine.
Molecular consequence: missense variant. On other transcripts: intron variant (9).
Genome position (GRCh38, 1-based): chr14:68,477,659, C>G. VCF-style: chr14-68477659-C-G. GRCh37 (hg19) VCF-style: chr14-68944376-C-G.
Other names: c.691C>G, p.Pro231Ala (NM_001321817.2); c.1036+9409C>G (NM_001321818.2, NM_001321809.2, NM_001321821.2 and 5 more transcripts); c.922+9409C>G (NM_001321815.1); short protein forms P350A, P231A.
Identifiers: ClinVar variation 3786396 (VCV003786396.1).